The following is an entry in ClinVar:

NM_001042681.2(RERE):c.4456G>A (p.Glu1486Lys)

Gene: RERE (arginine-glutamic acid dipeptide repeats; minus strand). Cytogenetic location: 1p36.23.
Variant type: single nucleotide variant.
Coding change: c.4456G>A on transcript NM_001042681.2 (MANE Select); coding-DNA position 4456, G replaced by A.
Protein change: p.Glu1486Lys; replaces glutamic acid 1486 with lysine.
Molecular consequence: missense variant.
Genome position (GRCh38, 1-based): chr1:8,356,130, C>T on the plus strand (G>A on the coding strand, the complement: RERE is on the minus strand). VCF-style: chr1-8356130-C-T. GRCh37 (hg19) VCF-style: chr1-8416190-C-T.
Other names: c.2794G>A, p.Glu932Lys (NM_001042682.2); c.4456G>A, p.Glu1486Lys (NM_012102.4); short protein forms E932K, E1486K.
Identifiers: ClinVar variation 3340805 (VCV003340805.1).

ClinVar aggregate classification (germline): Uncertain significance (1 of 4 stars; one submission).

gnomAD v4.1: 3 of 1,507,424 alleles (0.0002%); highest among the groups gnomAD compares: South Asian, 0.0013%; no homozygotes.

Submission:

GeneDx
Classification: Uncertain significance. Last evaluated: 2023-08-07. Review status: criteria provided, single submitter. Criteria: GeneDx Variant Classification Process June 2021. Collection method: clinical testing. Allele origin: germline. Affected: yes.
Comment: Not observed at significant frequency in large population cohorts (gnomAD); In silico analysis supports that this missense variant has a deleterious effect on protein structure/function; Has not been previously published as pathogenic or benign to our knowledge